The following is an entry in ClinVar:

ClinVar aggregate classification (germline): Likely benign (1 of 4 stars; one submission).

Conditions:
CUL4B-related disorder. Also called: CUL4B-related condition.

Submission:

PreventionGenetics, part of Exact Sciences
Classification: Likely benign for CUL4B-related condition. Last evaluated: 2025-07-29. Review status: criteria provided, single submitter. Criteria: ACMG Guidelines, 2015. Collection method: clinical testing. Allele origin: germline.
Comment: This variant is classified as likely benign based on ACMG/AMP sequence variant interpretation guidelines (Richards et al. 2015 PMID: 25741868, with internal and published modifications).

NM_001079872.2(CUL4B):c.1939-10C>A

Gene: CUL4B (cullin 4B; minus strand). Cytogenetic location: Xq24.
Variant type: single nucleotide variant.
Coding change: c.1939-10C>A on transcript NM_001079872.2 (MANE Select); 10 bases into the intron before coding-DNA position 1939, C replaced by A.
Molecular consequence: intron variant.
Genome position (GRCh38, 1-based): chrX:120,537,044, G>T on the plus strand (C>A on the coding strand, the complement: CUL4B is on the minus strand). VCF-style: chrX-120537044-G-T. GRCh37 (hg19) VCF-style: chrX-119670899-G-T.
Other names: c.1993-10C>A (NM_003588.4); c.1954-10C>A (NM_001330624.2); c.1405-10C>A (NM_001369145.1).
Identifiers: ClinVar variation 4990076 (VCV004990076.1).
Genomic context (GRCh38, chrX:120,537,044, plus strand): 5'-GATATTCACAGTTAACTCAATATTTCCCGGAACATTCTGATTCTGCATATACTATAAGAA[G>T]ATCAAAACACACACTGAGATCTTAAAACTGCATACATTTCATATCATAATAACCTATTTA-3'